The following is an entry in ClinVar:

ClinVar aggregate classification (germline): Uncertain significance (1 of 4 stars; one submission).

Conditions:
CADPS-related disorder. Also called: CADPS-related condition.

Submission:

PreventionGenetics, part of Exact Sciences
Classification: Uncertain significance for CADPS-related condition. Last evaluated: 2024-01-03. Review status: criteria provided, single submitter. Criteria: ACMG Guidelines, 2015. Collection method: clinical testing. Allele origin: germline.
Comment: The CADPS c.3477+2T>G variant is predicted to disrupt the GT donor site and interfere with normal splicing. This variant is predicted to disrupt a canonical splice donor site according to an in silico splicing algorithm (SpliceAI, Jaganathan K, et al. 2019. PubMed ID: 30661751). To our knowledge, this variant has not been reported in the literature. This variant is reported in 0.033% of alleles in individuals of African descent in gnomAD. Only a few splice variants have been reported in CADPS with a potential association with disease phenotypes (see, for example, Table 2, Shaheen et al. 2016. PubMed ID: 26633546; Table 1, Bruel et al. 2019. PubMed ID: 31231135; no reports in ClinVar). While we suspect this variant could be pathogenic, at this time the clinical significance of this variant is interpreted as uncertain due to the absence of conclusive functional and genetic evidence.

NM_003716.4(CADPS):c.3477+2T>G

Gene: CADPS (calcium dependent secretion activator; minus strand). Cytogenetic location: 3p14.2.
Variant type: single nucleotide variant.
Coding change: c.3477+2T>G on transcript NM_003716.4 (MANE Select); the canonical splice donor site of the intron after coding-DNA position 3477, T replaced by G.
Molecular consequence: splice donor variant.
Genome position (GRCh38, 1-based): chr3:62,474,171, A>C on the plus strand (T>G on the coding strand, the complement: CADPS is on the minus strand). VCF-style: chr3-62474171-A-C. GRCh37 (hg19) VCF-style: chr3-62459846-A-C.
Other names: c.3240+2T>G (NM_183393.3); c.3360+2T>G (NM_183394.3).
Identifiers: ClinVar variation 3031478 (VCV003031478.1), dbSNP rs779869722, ClinGen allele CA2476375.
Genomic context (GRCh38, chr3:62,474,171, plus strand): 5'-TTTTCTTCTACATGATCAATGAAGAGGGAAAAAAAAATCTGTATTTTTTTTTTTTTTTTT[A>C]CCTCTTGGCCCATTTCCATGCTGCAAAGTTTTGTTGATTGAGCTTTGGCATCAACCATAA-3'